The following is an entry in ClinVar:

NM_153717.3(EVC):c.2241G>A (p.Ala747=)

Gene: EVC (EvC ciliary complex subunit 1; plus strand). Cytogenetic location: 4p16.2.
Variant type: single nucleotide variant.
Coding change: c.2241G>A on transcript NM_153717.3 (MANE Select); coding-DNA position 2241, G replaced by A.
Protein change: p.Ala747=; no amino-acid change (alanine 747 retained).
Molecular consequence: synonymous variant.
Genome position (GRCh38, 1-based): chr4:5,798,729, G>A. VCF-style: chr4-5798729-G-A. GRCh37 (hg19) VCF-style: chr4-5800456-G-A.
Other names: c.2241G>A, p.Ala747= (NM_001306090.2).
Identifiers: ClinVar variation 349195 (VCV000349195.19), dbSNP rs142094016, ClinGen allele CA2836423.

ClinVar aggregate classification (germline): Benign/Likely benign. Review status: criteria provided, multiple submitters, no conflicts (2 of 4 stars). 4 submissions from 4 submitters: Benign (1); Likely benign (2). 1 of the submissions does not count toward it. Last evaluated 2024-11-25.

Conditions:
EVC-related disorder. Also called: EVC-related condition; EVC-related disorders.
Ellis-van Creveld syndrome (EVC). Also called: MESOECTODERMAL DYSPLASIA; Chondroectodermal dysplasia. Identifiers: Orphanet 289, MedGen C0013903, MONDO:0009162, OMIM 225500.
Curry-Hall syndrome (WAD). Also called: WEYERS ACRODENTAL DYSOSTOSIS. Identifiers: Orphanet 952, MedGen C0457013, MONDO:0008673, OMIM 193530.

Allele frequency attached by ClinVar (database versions not stated): ESP Exome Variant Server 0.00008; gnomAD 0.00014 and 0.00017; TOPMed 0.00019; gnomAD exomes 0.00043; ExAC 0.00054; 1000 Genomes Project 30x 0.00109; 1000 Genomes Project 0.00120.
gnomAD v4.1: 169 of 1,610,996 alleles (0.01%); highest among the groups gnomAD compares: East Asian, 0.28%; 1 homozygote.

Submissions (4):

Blueprint Genetics
Classification: Likely benign. Last evaluated: 2024-11-25. Review status: criteria provided, single submitter. Criteria: ACMG Guidelines, 2015. Collection method: clinical testing. Allele origin: germline.

Labcorp Genetics (formerly Invitae), Labcorp
Classification: Benign for Curry-Hall syndrome; Ellis-van Creveld syndrome. Last evaluated: 2024-09-25. Review status: criteria provided, single submitter. Criteria: Invitae Variant Classification Sherloc (09022015). Collection method: clinical testing. Allele origin: germline.

Illumina Laboratory Services, Illumina
Classification: Likely benign for Ellis-van Creveld syndrome. Last evaluated: 2018-01-13. Review status: criteria provided, single submitter. Criteria: ICSL Variant Classification Criteria 13 December 2019. Collection method: clinical testing. Allele origin: germline.
Comment: This variant was observed in the ICSL laboratory as part of a predisposition screen in an ostensibly healthy population. It had not been previously curated by ICSL or reported in the Human Gene Mutation Database (HGMD: prior to June 1st, 2018), and was therefore a candidate for classification through an automated scoring system. Utilizing variant allele frequency, disease prevalence and penetrance estimates, and inheritance mode, an automated score was calculated to assess if this variant is too frequent to cause the disease. Based on the score and internal cut-off values, a variant classified as likely benign is not then subjected to further curation. The score for this variant resulted in a classification of likely benign for this disease.

PreventionGenetics, part of Exact Sciences
Classification: Likely benign for EVC-related condition. Last evaluated: 2019-02-23. Review status: no assertion criteria provided. Collection method: clinical testing. Allele origin: germline. Not counted in ClinVar's aggregate classification.
Comment: This variant is classified as likely benign based on ACMG/AMP sequence variant interpretation guidelines (Richards et al. 2015 PMID: 25741868, with internal and published modifications).